The following is an entry in ClinVar:

ClinVar aggregate classification (germline): Uncertain significance. Review status: criteria provided, multiple submitters, no conflicts (2 of 4 stars). 4 submissions from 4 submitters: Uncertain significance (4). Last evaluated 2026-06-18.

Conditions:
TBL1XR1-related disorder. Also called: TBL1XR1-related condition; TBL1XR1-related disorders. Identifiers: MedGen CN382633, MONDO:1060313.
Inborn genetic diseases. Identifiers: MedGen C0950123, MeSH D030342.
Pierpont syndrome (PRPTS). Identifiers: Orphanet 487825, MedGen C1865644, MONDO:0011213, OMIM 602342.

Submissions (4):

Ambry Genetics
Classification: Uncertain significance for Inborn genetic diseases. Last evaluated: 2026-06-18. Review status: criteria provided, single submitter. Criteria: Ambry Variant Classification Scheme 2023. Collection method: clinical testing. Allele origin: germline.
Comment: The c.1150G>T (p.V384F) alteration is located in exon 13 (coding exon 11) of the TBL1XR1 gene. This alteration results from a G to T substitution at nucleotide position 1150, causing the valine (V) at amino acid position 384 to be replaced by a phenylalanine (F). This variant was not reported in population-based cohorts in the Genome Aggregation Database (gnomAD). This amino acid position is highly conserved in available vertebrate species. This missense variant is located in a region that has a low rate of benign missense variation (Lek, 2016; Firth, 2009). This alteration is predicted to be deleterious by in silico analysis. Based on insufficient or conflicting evidence, the clinical significance of this alteration remains unclear.

PreventionGenetics, part of Exact Sciences
Classification: Uncertain significance for TBL1XR1-related condition. Last evaluated: 2026-03-31. Review status: criteria provided, single submitter. Criteria: ACMG Guidelines, 2015. Collection method: clinical testing. Allele origin: germline.
Comment: The TBL1XR1 c.1150G>T variant is predicted to result in the amino acid substitution p.Val384Phe. To our knowledge, this variant has not been reported in the literature or in a large population database (gnomAD), indicating this variant is rare. At this time, the clinical significance of this variant is uncertain due to the absence of conclusive functional and genetic evidence.

CeGaT Center for Human Genetics Tuebingen
Classification: Uncertain significance. Last evaluated: 2023-12-01. Review status: criteria provided, single submitter. Criteria: CeGaT Center For Human Genetics Tuebingen Variant Classification Criteria Version 2. Collection method: clinical testing. Allele origin: germline. Affected: yes. Observed: 2 variant alleles.
Comment: TBL1XR1: PM2, PP2

Labcorp Genetics (formerly Invitae), Labcorp
Classification: Uncertain significance for Pierpont syndrome. Last evaluated: 2022-06-09. Review status: criteria provided, single submitter. Criteria: Invitae Variant Classification Sherloc (09022015). Collection method: clinical testing. Allele origin: germline.
Comment: This sequence change replaces valine, which is neutral and non-polar, with phenylalanine, which is neutral and non-polar, at codon 384 of the TBL1XR1 protein (p.Val384Phe). This variant is not present in population databases (gnomAD no frequency). This variant has not been reported in the literature in individuals affected with TBL1XR1-related conditions. Advanced modeling of protein sequence and biophysical properties (such as structural, functional, and spatial information, amino acid conservation, physicochemical variation, residue mobility, and thermodynamic stability) performed at Invitae indicates that this missense variant is expected to disrupt TBL1XR1 protein function. In summary, the available evidence is currently insufficient to determine the role of this variant in disease. Therefore, it has been classified as a Variant of Uncertain Significance.

NM_024665.7(TBL1XR1):c.1150G>T (p.Val384Phe)

Gene: TBL1XR1 (TBL1X/Y related 1; minus strand). Cytogenetic location: 3q26.32.
Variant type: single nucleotide variant.
Coding change: c.1150G>T on transcript NM_024665.7 (MANE Select); coding-DNA position 1150, G replaced by T.
Protein change: p.Val384Phe; replaces valine 384 with phenylalanine.
Molecular consequence: missense variant.
Genome position (GRCh38, 1-based): chr3:177,034,298, C>A on the plus strand (G>T on the coding strand, the complement: TBL1XR1 is on the minus strand). VCF-style: chr3-177034298-C-A. GRCh37 (hg19) VCF-style: chr3-176752086-C-A.
Other names: c.1150G>T, p.Val384Phe (NM_001321193.3, NM_001321194.3, NM_001374327.1 and 2 more transcripts); c.1150G>T (NM_024665.4, NM_024665.5); c.889G>T, p.Val297Phe (NM_001321195.3, NM_001374330.1); short protein forms V297F, V384F.
Identifiers: ClinVar variation 2419645 (VCV002419645.33), dbSNP rs2473603271, ClinGen allele CA355554796.
Genomic context (GRCh38, chr3:177,034,298, plus strand): 5'-GTCCTGTTGGACTCCATTTGATAGTATAAATTTCTTTATTATGTGCTTGCAAATCATGGA[C>A]ACAATTGTCTTGTTTCATACTCCATATCTAAACAAAAAAGAAAAATGTATACAATTATTT-3'
Protein context (NP_078941.2, residues 374-394): KIWSMKQDNC[Val384Phe]HDLQAHNKEI